The following is an entry in ClinVar:

NM_003470.3(USP7):c.698T>A (p.Phe233Tyr)

Gene: USP7 (ubiquitin specific peptidase 7; minus strand). Cytogenetic location: 16p13.2.
Variant type: single nucleotide variant.
Coding change: c.698T>A on transcript NM_003470.3 (MANE Select); coding-DNA position 698, T replaced by A.
Protein change: p.Phe233Tyr; replaces phenylalanine 233 with tyrosine.
Molecular consequence: missense variant. On other transcripts: non-coding transcript variant (1).
Genome position (GRCh38, 1-based): chr16:8,919,053, A>T on the plus strand (T>A on the coding strand, the complement: USP7 is on the minus strand). VCF-style: chr16-8919053-A-T. GRCh37 (hg19) VCF-style: chr16-9012910-A-T.
Other names: c.650T>A, p.Phe217Tyr (NM_001286457.2); c.401T>A, p.Phe134Tyr (NM_001286458.2); c.524T>A, p.Phe175Tyr (NM_001321858.2); short protein forms F134Y, F175Y, F217Y, F233Y.
Identifiers: ClinVar variation 3255089 (VCV003255089.4), dbSNP rs2549244923.

ClinVar aggregate classification (germline): Uncertain significance (1 of 4 stars; one submission).

Conditions:
Hao-Fountain syndrome due to USP7 mutation. Also called: USP7-Related Hao Fountain Syndrome. Identifiers: Orphanet 643538, MedGen C5816734, MONDO:0958071, OMIM 616863.

Submission:

Victorian Clinical Genetics Services, Murdoch Childrens Research Institute
Classification: Uncertain significance for Hao-Fountain syndrome due to USP7 mutation. Last evaluated: 2025-07-24. Review status: criteria provided, single submitter. Criteria: ACMG Guidelines, 2015. Collection method: clinical testing. Allele origin: germline. Affected: yes.
Comment: This variant is classified as VUS-3A. Evidence in support of pathogenic classification: Variant is absent from gnomAD (v2, v3 and v4); Missense variant in a region that is highly intolerant to missense variation (high constraint region in DECIPHER). Additional information: Variant is predicted to result in a missense amino acid change from Phe to Tyr - This variant is heterozygous; This gene is associated with autosomal dominant disease; This variant has no previous evidence of pathogenicity; No published functional evidence has been identified for this variant; No comparable missense variants have previous evidence for pathogenicity; Missense variant with inconclusive in silico prediction and uninformative conservation; Loss of function is a known mechanism of disease in this gene and is associated with Hao-Fountain syndrome (MIM#616863).